The following is an entry in ClinVar:

NM_018979.4(WNK1):c.6082G>A (p.Gly2028Ser)

Gene: WNK1 (WNK lysine deficient protein kinase 1; plus strand). Cytogenetic location: 12p13.33.
Variant type: single nucleotide variant.
Coding change: c.6082G>A on transcript NM_018979.4 (MANE Select); coding-DNA position 6082, G replaced by A.
Protein change: p.Gly2028Ser; replaces glycine 2028 with serine.
Molecular consequence: missense variant.
Genome position (GRCh38, 1-based): chr12:896,569, G>A. VCF-style: chr12-896569-G-A. GRCh37 (hg19) VCF-style: chr12-1005735-G-A.
Other names: c.6862G>A, p.Gly2288Ser (NM_001184985.2); c.5338G>A, p.Gly1780Ser (NM_014823.3); c.6838G>A, p.Gly2280Ser (NM_213655.5); short protein forms G1780S, G2280S, G2288S, G2028S.
Identifiers: ClinVar variation 2923647 (VCV002923647.4), dbSNP rs1440972534, ClinGen allele CA383336425.

ClinVar aggregate classification (germline): Uncertain significance. Review status: criteria provided, multiple submitters, no conflicts (2 of 4 stars). 2 submissions from 2 submitters: Uncertain significance (2). Last evaluated 2024-05-31.

Conditions:
Neuropathy, hereditary sensory and autonomic, type 2A (HSAN2A). Also called: HSAN IIA; WNK1-Related HSAN2 (HSAN2A); ACROOSTEOLYSIS, GIACCAI TYPE; ACROOSTEOLYSIS, NEUROGENIC; MORVAN DISEASE; NEUROPATHY, CONGENITAL SENSORY. Identifiers: Orphanet 970, MedGen C2752089, MONDO:0024309, OMIM 201300.
Pseudohypoaldosteronism type 2C (PHA2C). Also called: Pseudohypoaldosteronism Type IIC. Identifiers: Orphanet 757, Orphanet 88940, MedGen C1840391, MONDO:0013778, OMIM 614492.

Allele frequency attached by ClinVar (database versions not stated): gnomAD exomes 0.00001.
gnomAD v4.1: 18 of 1,612,472 alleles (0.0011%); highest among the groups gnomAD compares: African/African-American, 0.004%; no homozygotes.

Submissions (2):

Fulgent Genetics
Classification: Uncertain significance for Neuropathy, hereditary sensory and autonomic, type 2A; Pseudohypoaldosteronism type 2C. Last evaluated: 2024-05-31. Review status: criteria provided, single submitter. Criteria: ACMG Guidelines, 2015. Collection method: clinical testing. Allele origin: germline.

Labcorp Genetics (formerly Invitae), Labcorp
Classification: Uncertain significance for Neuropathy, hereditary sensory and autonomic, type 2A; Pseudohypoaldosteronism type 2C. Last evaluated: 2024-02-09. Review status: criteria provided, single submitter. Criteria: Invitae Variant Classification Sherloc (09022015). Collection method: clinical testing. Allele origin: germline.
Comment: This sequence change replaces glycine, which is neutral and non-polar, with serine, which is neutral and polar, at codon 2280 of the WNK1 protein (p.Gly2280Ser). This variant is present in population databases (no rsID available, gnomAD 0.003%). This variant has not been reported in the literature in individuals affected with WNK1-related conditions. Advanced modeling of protein sequence and biophysical properties (such as structural, functional, and spatial information, amino acid conservation, physicochemical variation, residue mobility, and thermodynamic stability) performed at Invitae indicates that this missense variant is not expected to disrupt WNK1 protein function with a negative predictive value of 95%. In summary, the available evidence is currently insufficient to determine the role of this variant in disease. Therefore, it has been classified as a Variant of Uncertain Significance.